The following is an entry in ClinVar:

NM_001330260.2(SCN8A):c.86T>C (p.Ile29Thr)

Genes: SCN8A (sodium voltage-gated channel alpha subunit 8; plus strand), LOC114803470 (SCN8A eExon liver enhancer; plus strand). Cytogenetic location: 12q13.13.
Variant type: single nucleotide variant.
Coding change: c.86T>C on transcript NM_001330260.2 (MANE Select); coding-DNA position 86, T replaced by C.
Protein change: p.Ile29Thr; replaces isoleucine 29 with threonine.
Molecular consequence: missense variant.
Genome position (GRCh38, 1-based): chr12:51,662,903, T>C. VCF-style: chr12-51662903-T-C. GRCh37 (hg19) VCF-style: chr12-52056687-T-C.
Other names: c.86T>C, p.Ile29Thr (NM_001177984.3, NM_001369788.1, NM_014191.4); short protein forms I29T.
Identifiers: ClinVar variation 3635179 (VCV003635179.2).
Genomic context (GRCh38, chr12:51,662,903, plus strand): 5'-CAGGCCCTGATAGTTTCAAGCCTTTCACCCCTGAGTCACTGGCAAACATTGAGAGGCGCA[T>C]TGCTGAGAGCAAGCTCAAGAAACCACCAAAGGCCGATGGCAGTCATCGGGAGGACGATGA-3'
Protein context (NP_001317189.1, residues 19-39): PESLANIERR[Ile29Thr]AESKLKKPPK

ClinVar aggregate classification (germline): Uncertain significance (1 of 4 stars; one submission).

Conditions:
Early-infantile DEE. Also called: Early infantile epileptic encephalopathy; Ohtahara syndrome; Early infantile epileptic encephalopathy with suppression bursts. Identifiers: Orphanet 1934, MedGen C0393706, MONDO:0800491.

Submission:

Labcorp Genetics (formerly Invitae), Labcorp
Classification: Uncertain significance for Early-infantile DEE. Last evaluated: 2024-08-10. Review status: criteria provided, single submitter. Criteria: Invitae Variant Classification Sherloc (09022015). Collection method: clinical testing. Allele origin: germline.
Comment: This sequence change replaces isoleucine, which is neutral and non-polar, with threonine, which is neutral and polar, at codon 29 of the SCN8A protein (p.Ile29Thr). This variant is not present in population databases (gnomAD no frequency). This variant has not been reported in the literature in individuals affected with SCN8A-related conditions. Advanced modeling of protein sequence and biophysical properties (such as structural, functional, and spatial information, amino acid conservation, physicochemical variation, residue mobility, and thermodynamic stability) performed at Invitae indicates that this missense variant is not expected to disrupt SCN8A protein function with a negative predictive value of 95%. In summary, the available evidence is currently insufficient to determine the role of this variant in disease. Therefore, it has been classified as a Variant of Uncertain Significance.